The following is an entry in ClinVar:

ClinVar aggregate classification (germline): Uncertain significance (0 of 4 stars; one submission).

Conditions:
COL11A1-related disorder. Also called: COL11A1-related disorders; COL11A1-related condition.

Submission:

PreventionGenetics, part of Exact Sciences
Classification: Uncertain significance for COL11A1-related condition. Last evaluated: 2023-11-01. Review status: no assertion criteria provided. Collection method: clinical testing. Allele origin: germline.
Comment: The COL11A1 c.3980G>A variant is predicted to result in the amino acid substitution p.Gly1327Asp. To our knowledge, this variant has not been reported in the literature or in a large population database, indicating this variant is rare. The p.Gly1327 amino acid is located in the conserved Gly-Xaa-Yaa triple helical domain where substitutions of a glycine are usually pathogenic (Bernard et al. 1988. PubMed ID: 3182841; Richards et al. 2010. PubMed ID: 20513134). This variant could be pathogenic, however, at this time, the clinical significance of this variant is uncertain due to the absence of conclusive functional and genetic evidence.

NM_001854.4(COL11A1):c.3980G>A (p.Gly1327Asp)

Gene: COL11A1 (collagen type XI alpha 1 chain; minus strand). Cytogenetic location: 1p21.1.
Variant type: single nucleotide variant.
Coding change: c.3980G>A on transcript NM_001854.4 (MANE Select); coding-DNA position 3980, G replaced by A.
Protein change: p.Gly1327Asp; replaces glycine 1327 with aspartic acid.
Molecular consequence: missense variant. On other transcripts: non-coding transcript variant (1).
Genome position (GRCh38, 1-based): chr1:102,913,689, C>T on the plus strand (G>A on the coding strand, the complement: COL11A1 is on the minus strand). VCF-style: chr1-102913689-C-T. GRCh37 (hg19) VCF-style: chr1-103379245-C-T.
Other names: c.3632G>A, p.Gly1211Asp (NM_001168249.1, NM_080630.4); c.3863G>A, p.Gly1288Asp (NM_001190709.2); c.4016G>A, p.Gly1339Asp (NM_080629.3); short protein forms G1211D, G1288D, G1327D, G1339D.
Identifiers: ClinVar variation 3059956 (VCV003059956.2), dbSNP rs2524470169, ClinGen allele CA341160377.
Genomic context (GRCh38, chr1:102,913,689, plus strand): 5'-TTACTCACCGGTTGACCAGGATCTCCATCTTCACCCTTGTCACCACCAACACCATCTTGA[C>T]CCTATAAGAGGCAATAAAATATGAAGCAAGATATATCTCAGTATCAATAAATCACACTAC-3'
Protein context (NP_001845.3, residues 1317-1337): PGPPGEPGPA[Gly1327Asp]QDGVGGDKGE